The following is an entry in ClinVar:

NM_014249.4(NR2E3):c.844G>A (p.Glu282Lys)

Gene: NR2E3 (nuclear receptor subfamily 2 group E member 3; plus strand). Cytogenetic location: 15q23.
Variant type: single nucleotide variant.
Coding change: c.844G>A on transcript NM_014249.4 (MANE Select); coding-DNA position 844, G replaced by A.
Protein change: p.Glu282Lys; replaces glutamic acid 282 with lysine.
Molecular consequence: missense variant.
Genome position (GRCh38, 1-based): chr15:71,813,485, G>A. VCF-style: chr15-71813485-G-A. GRCh37 (hg19) VCF-style: chr15-72105825-G-A.
Other names: c.844G>A, p.Glu282Lys (NM_016346.4); short protein forms E282K.
Identifiers: ClinVar variation 887280 (VCV000887280.10), dbSNP rs370215891, ClinGen allele CA7640410.

ClinVar aggregate classification (germline): Uncertain significance. Review status: criteria provided, multiple submitters, no conflicts (2 of 4 stars). 6 submissions from 5 submitters: Uncertain significance (5). 1 of the submissions does not count toward it. Last evaluated 2026-03-20.

Conditions:
Goldmann-Favre syndrome. Identifiers: Orphanet 53540, MedGen C0339541, MONDO:0100289.
Enhanced S-cone syndrome (ESCS). Identifiers: Orphanet 53540, MedGen C1849394, MONDO:0100288, MONDO:0009989.
NR2E3-related disorder. Also called: NR2E3-related disorders; NR2E3-related condition. Identifiers: MedGen CN239387.
Retinitis pigmentosa (RP). Identifiers: Orphanet 791, MedGen C0035334, MeSH D012174, MONDO:0019200, OMIM 268000. Inheritance: Autosomal dominant, autosomal recessive and X linked inheritance.

Allele frequency attached by ClinVar (database versions not stated): gnomAD 0.00008; TOPMed 0.00008; gnomAD exomes 0.00009 and 0.00011; 1000 Genomes Project 30x 0.00016; ExAC 0.00016; 1000 Genomes Project 0.00020; ESP Exome Variant Server 0.00025.
gnomAD v4.1: 147 of 1,611,320 alleles (0.0091%); highest among the groups gnomAD compares: Admixed American, 0.013%; 1 homozygote.

Submissions (6):

PreventionGenetics, part of Exact Sciences
Classification: Uncertain significance for NR2E3-related condition. Last evaluated: 2026-03-20. Review status: criteria provided, single submitter. Criteria: ACMG Guidelines, 2015. Collection method: clinical testing. Allele origin: germline.
Comment: The NR2E3 c.844G>A variant is predicted to result in the amino acid substitution p.Glu282Lys. To our knowledge, this variant has not been reported in the literature. This variant is reported in 0.017% of alleles in individuals of European (Non-Finnish) descent in gnomAD. At this time, the clinical significance of this variant is uncertain due to the absence of conclusive functional and genetic evidence.

Labcorp Genetics (formerly Invitae), Labcorp
Classification: Uncertain significance. Last evaluated: 2025-08-21. Review status: criteria provided, single submitter. Criteria: Invitae Variant Classification Sherloc (09022015). Collection method: clinical testing. Allele origin: germline.
Comment: This sequence change replaces glutamic acid, which is acidic and polar, with lysine, which is basic and polar, at codon 282 of the NR2E3 protein (p.Glu282Lys). This variant is present in population databases (rs370215891, gnomAD 0.02%). This missense change has been observed in individual(s) with retinal dystrophy (PMID: 38927702). ClinVar contains an entry for this variant (Variation ID: 887280). Invitae Evidence Modeling of protein sequence and biophysical properties (such as structural, functional, and spatial information, amino acid conservation, physicochemical variation, residue mobility, and thermodynamic stability) indicates that this missense variant is not expected to disrupt NR2E3 protein function with a negative predictive value of 80%. In summary, the available evidence is currently insufficient to determine the role of this variant in disease. Therefore, it has been classified as a Variant of Uncertain Significance.

Blueprint Genetics
Classification: Uncertain significance. Last evaluated: 2024-10-03. Review status: criteria provided, single submitter. Criteria: ACMG Guidelines, 2015. Collection method: clinical testing. Allele origin: germline.

Illumina Laboratory Services, Illumina
Classification: Uncertain significance for Retinitis pigmentosa. Last evaluated: 2018-01-13. Review status: criteria provided, single submitter. Criteria: ICSL Variant Classification Criteria 13 December 2019. Collection method: clinical testing. Allele origin: germline.

Illumina Laboratory Services, Illumina
Classification: Uncertain significance for ENHANCED S-CONE SYNDROME 1. Last evaluated: 2018-01-13. Review status: criteria provided, single submitter. Criteria: ICSL Variant Classification Criteria 13 December 2019. Collection method: clinical testing. Allele origin: germline.

Natera, Inc.
Classification: Uncertain significance for Goldmann-Favre syndrome. Last evaluated: 2020-07-29. Review status: no assertion criteria provided. Collection method: clinical testing. Allele origin: germline. Not counted in ClinVar's aggregate classification.

Literature cited by the submitters: PubMed 38927702 (cited by Labcorp Genetics (formerly Invitae), Labcorp).